The following is an entry in ClinVar:

NM_001286555.3(DUSP22):c.*2G>A

Gene: DUSP22 (dual specificity phosphatase 22; plus strand). Cytogenetic location: 6p25.3.
Variant type: single nucleotide variant.
Coding change: c.*2G>A on transcript NM_001286555.3 (MANE Select); 2 bases downstream of the stop codon, G replaced by A.
Molecular consequence: 3 prime UTR variant. On other transcripts: non-coding transcript variant (3), intron variant (1).
Genome position (GRCh38, 1-based): chr6:348,953, G>A. VCF-style: chr6-348953-G-A. GRCh37 (hg19) VCF-style: chr6-348953-G-A.
Other names: c.508+112G>A (NM_020185.6).
Identifiers: ClinVar variation 3031542 (VCV003031542.2), dbSNP rs777172514, ClinGen allele CA3612514.
Genomic context (GRCh38, chr6:348,953, plus strand): 5'-GGAGCAGTTTTCCGGCACTGGCTCCGCTGACCTACGATAATTATACGACGGAGACCTAAC[G>A]CAAGCGACCTGCTGCCTTCCTTCCCACTGCTTGTCTTCAGTGTGCCCGGCTGGGCAGGGG-3'

ClinVar aggregate classification (germline): Likely benign (0 of 4 stars; one submission).

Conditions:
DUSP22-related disorder. Also called: DUSP22-related condition.

Allele frequency attached by ClinVar (database versions not stated): gnomAD 0.00012.
gnomAD v4.1: 178 of 1,582,960 alleles (0.011%); highest among the groups gnomAD compares: South Asian, 0.019%; no homozygotes.

Submission:

PreventionGenetics, part of Exact Sciences
Classification: Likely benign for DUSP22-related condition. Last evaluated: 2021-08-10. Review status: no assertion criteria provided. Collection method: clinical testing. Allele origin: germline.
Comment: This variant is classified as likely benign based on ACMG/AMP sequence variant interpretation guidelines (Richards et al. 2015 PMID: 25741868, with internal and published modifications).